The following is an entry in ClinVar:

NM_004836.7(EIF2AK3):c.530C>T (p.Thr177Ile)

Gene: EIF2AK3 (eukaryotic translation initiation factor 2 alpha kinase 3; minus strand). Cytogenetic location: 2p11.2.
Variant type: single nucleotide variant.
Coding change: c.530C>T on transcript NM_004836.7 (MANE Select); coding-DNA position 530, C replaced by T.
Protein change: p.Thr177Ile; replaces threonine 177 with isoleucine.
Molecular consequence: missense variant.
Genome position (GRCh38, 1-based): chr2:88,595,572, G>A on the plus strand (C>T on the coding strand, the complement: EIF2AK3 is on the minus strand). VCF-style: chr2-88595572-G-A. GRCh37 (hg19) VCF-style: chr2-88895090-G-A.
Other names: c.77C>T, p.Thr26Ile (NM_001313915.2); c.530C>T (NM_004836.5); short protein forms T177I, T26I.
Identifiers: ClinVar variation 1518515 (VCV001518515.9), dbSNP rs187776572, ClinGen allele CA1754904.

ClinVar aggregate classification (germline): Uncertain significance. Review status: criteria provided, multiple submitters, no conflicts (2 of 4 stars). 3 submissions from 3 submitters: Uncertain significance (3). Last evaluated 2026-01-05.

Conditions:
Inborn genetic diseases. Identifiers: MedGen C0950123, MeSH D030342.
Wolcott-Rallison dysplasia. Also called: MED-IDDM SYNDROME; Wolcott-Rallison syndrome. Identifiers: Orphanet 1667, MedGen C0432217, MONDO:0009192, OMIM 226980.

Allele frequency attached by ClinVar (database versions not stated): gnomAD exomes below 0.00001; ExAC 0.00001; gnomAD 0.00010 and 0.00012; 1000 Genomes Project 0.00020; TOPMed 0.00028; 1000 Genomes Project 30x 0.00031.
gnomAD v4.1: 29 of 1,614,000 alleles (0.0018%); highest among the groups gnomAD compares: Admixed American, 0.035%; no homozygotes.

Submissions (3):

Labcorp Genetics (formerly Invitae), Labcorp
Classification: Uncertain significance. Last evaluated: 2026-01-05. Review status: criteria provided, single submitter. Criteria: Invitae Variant Classification Sherloc (09022015). Collection method: clinical testing. Allele origin: germline.
Comment: This sequence change replaces threonine, which is neutral and polar, with isoleucine, which is neutral and non-polar, at codon 177 of the EIF2AK3 protein (p.Thr177Ile). This variant is present in population databases (rs187776572, gnomAD 0.009%). This variant has not been reported in the literature in individuals affected with EIF2AK3-related conditions. ClinVar contains an entry for this variant (Variation ID: 1518515). An algorithm developed to predict the effect of missense changes on protein structure and function (PolyPhen-2) suggests that this variant is likely to be disruptive. In summary, the available evidence is currently insufficient to determine the role of this variant in disease. Therefore, it has been classified as a Variant of Uncertain Significance.

Fulgent Genetics
Classification: Uncertain significance for Wolcott-Rallison dysplasia. Last evaluated: 2023-12-22. Review status: criteria provided, single submitter. Criteria: ACMG Guidelines, 2015. Collection method: clinical testing. Allele origin: germline.

Ambry Genetics
Classification: Uncertain significance for Inborn genetic diseases. Last evaluated: 2021-08-04. Review status: criteria provided, single submitter. Criteria: Ambry Variant Classification Scheme 2023. Collection method: clinical testing. Allele origin: germline.